The following is an entry in ClinVar:

ClinVar aggregate classification (germline): Likely benign (1 of 4 stars; one submission).

Conditions:
LRRC45-related disorder. Also called: LRRC45-related condition.

Submission:

PreventionGenetics, part of Exact Sciences
Classification: Likely benign for LRRC45-related condition. Last evaluated: 2024-10-10. Review status: criteria provided, single submitter. Criteria: ACMG Guidelines, 2015. Collection method: clinical testing. Allele origin: germline.
Comment: This variant is classified as likely benign based on ACMG/AMP sequence variant interpretation guidelines (Richards et al. 2015 PMID: 25741868, with internal and published modifications).

NM_144999.4(LRRC45):c.1502G>A (p.Arg501His)

Gene: LRRC45 (leucine rich repeat containing 45; plus strand). Cytogenetic location: 17q25.3.
Variant type: single nucleotide variant.
Coding change: c.1502G>A on transcript NM_144999.4 (MANE Select); coding-DNA position 1502, G replaced by A.
Protein change: p.Arg501His; replaces arginine 501 with histidine.
Molecular consequence: missense variant.
Genome position (GRCh38, 1-based): chr17:82,030,072, G>A. VCF-style: chr17-82030072-G-A. GRCh37 (hg19) VCF-style: chr17-79987948-G-A.
Other names: short protein forms R501H.
Identifiers: ClinVar variation 4988334 (VCV004988334.1).